The following is an entry in ClinVar:

ClinVar aggregate classification (germline): Uncertain significance. Review status: criteria provided, single submitter (1 of 4 stars). 2 submissions from 2 submitters: Uncertain significance (1). 1 of the submissions does not count toward it. Last evaluated 2021-09-04.

Submissions (2):

Labcorp Genetics (formerly Invitae), Labcorp
Classification: Uncertain significance. Last evaluated: 2021-09-04. Review status: criteria provided, single submitter. Criteria: Invitae Variant Classification Sherloc (09022015). Collection method: clinical testing. Allele origin: germline.
Comment: The frequency data for this variant in the population databases is considered unreliable, as metrics indicate insufficient coverage at this position in the ExAC database. This sequence change replaces glycine with valine at codon 9 of the PTH1R protein (p.Gly9Val). The glycine residue is weakly conserved and there is a moderate physicochemical difference between glycine and valine. This variant has not been reported in the literature in individuals affected with PTH1R-related conditions. ClinVar contains an entry for this variant (Variation ID: 591743). Algorithms developed to predict the effect of missense changes on protein structure and function are either unavailable or do not agree on the potential impact of this missense change (SIFT: "Not Available"; PolyPhen-2: "Benign"; Align-GVGD: "Not Available"). In summary, the available evidence is currently insufficient to determine the role of this variant in disease. Therefore, it has been classified as a Variant of Uncertain Significance.

Gharavi Laboratory, Columbia University
Classification: Uncertain significance. Last evaluated: 2018-09-16. Review status: no assertion criteria provided. Criteria: ACMG Guidelines, 2015. Collection method: research. Allele origin: germline. Affected: yes. Not counted in ClinVar's aggregate classification.

NM_000316.3(PTH1R):c.26_27delinsTT (p.Gly9Val)

Gene: PTH1R (parathyroid hormone 1 receptor; plus strand). Cytogenetic location: 3p21.31.
Variant type: Indel.
Coding change: c.26_27delinsTT on transcript NM_000316.3 (MANE Select); coding-DNA positions 26 to 27, GC replaced by TT.
Protein change: p.Gly9Val; replaces glycine 9 with valine.
Molecular consequence: missense variant.
Genome position (GRCh38, 1-based): chr3:46,883,585-46,883,586, GC replaced by TT. VCF-style: chr3-46883585-GC-TT. GRCh37 (hg19) VCF-style: chr3-46925075-GC-TT.
Other names: c.26_27delinsTT, p.Gly9Val (NM_001184744.1); short protein forms G9V.
Identifiers: ClinVar variation 591743 (VCV000591743.7), dbSNP rs1559527551, ClinGen allele CA891862875.
Genomic context (GRCh38, chr3:46,883,585, plus strand): 5'-GGCTGCCCCGAGGGACGCGGCCCTAGGCGGTGGCGATGGGGACCGCCCGGATCGCACCCG[GC>TT]CTGGCGCTCCTGCTCTGCTGCCCCGTGCTCAGCTCCGCGTACGCGCTGGTGAGTCCCCCG-3'
Protein context (NP_000307.1, residues 1-19): MGTARIAP[Gly9Val]LALLLCCPVL